The following is an entry in ClinVar:

NM_000091.5(COL4A3):c.3311del (p.Gly1104fs)

Genes: COL4A3 (collagen type IV alpha 3 chain; plus strand), MFF-DT (MFF divergent transcript; minus strand). Cytogenetic location: 2q36.3.
Variant type: Deletion.
Coding change: c.3311del on transcript NM_000091.5 (MANE Select); coding-DNA position 3311, one base deleted (G; older notation c.3311delG).
Protein change: p.Gly1104fs; shifts the reading frame from glycine 1104.
Molecular consequence: frameshift variant.
Genome position (GRCh38, 1-based): chr2:227,293,291, G deleted; the last of 2 consecutive G bases (chr2:227,293,290-227,293,291); deleting either gives the same sequence. VCF-style (leftmost placement, unchanged base first): chr2-227293289-TG-T. GRCh37 (hg19) VCF-style: chr2-228158005-TG-T.
Other names: short protein forms G1104fs.
Identifiers: ClinVar variation 3348860 (VCV003348860.1).

ClinVar aggregate classification (germline): Likely pathogenic (0 of 4 stars; one submission).

Conditions:
COL4A3-related disorder. Also called: COL4A3-related condition; COL4A3-Related Disorders.

Submission:

PreventionGenetics, part of Exact Sciences
Classification: Likely pathogenic for COL4A3-related condition. Last evaluated: 2024-04-03. Review status: no assertion criteria provided. Collection method: clinical testing. Allele origin: germline.
Comment: The COL4A3 c.3311delG variant is predicted to result in a frameshift and premature protein termination (p.Gly1104Glufs*50). To our knowledge, this variant has not been reported in the literature or in a large population database, indicating this variant is rare. Frameshift variants in COL4A3 are expected to be pathogenic. This variant is interpreted as likely pathogenic.